The following is an entry in ClinVar:

NM_001205293.3(CACNA1E):c.3226G>A (p.Asp1076Asn)

Gene: CACNA1E (calcium voltage-gated channel subunit alpha1 E; plus strand). Cytogenetic location: 1q25.3.
Variant type: single nucleotide variant.
Coding change: c.3226G>A on transcript NM_001205293.3 (MANE Select); coding-DNA position 3226, G replaced by A.
Protein change: p.Asp1076Asn; replaces aspartic acid 1076 with asparagine.
Molecular consequence: missense variant.
Genome position (GRCh38, 1-based): chr1:181,733,714, G>A. VCF-style: chr1-181733714-G-A. GRCh37 (hg19) VCF-style: chr1-181702850-G-A.
Other names: c.3226G>A, p.Asp1076Asn (NM_000721.4); c.3169G>A, p.Asp1057Asn (NM_001205294.2); c.3226G>A (NM_001205293.1); short protein forms D1076N, D1057N.
Identifiers: ClinVar variation 1445169 (VCV001445169.7), dbSNP rs945186367, ClinGen allele CA33816717.

ClinVar aggregate classification (germline): Uncertain significance. Review status: criteria provided, multiple submitters, no conflicts (2 of 4 stars). 2 submissions from 2 submitters: Uncertain significance (2). Last evaluated 2025-08-24.

Conditions:
Inborn genetic diseases. Identifiers: MedGen C0950123, MeSH D030342.

Allele frequency attached by ClinVar (database versions not stated): gnomAD 0.00001; gnomAD exomes 0.00001; TOPMed 0.00002.
gnomAD v4.1: 11 of 1,581,670 alleles (0.0007%); highest among the groups gnomAD compares: South Asian, 0.0012%; no homozygotes.

Submissions (2):

Ambry Genetics
Classification: Uncertain significance for Inborn genetic diseases. Last evaluated: 2025-08-24. Review status: criteria provided, single submitter. Criteria: Ambry Variant Classification Scheme 2023. Collection method: clinical testing. Allele origin: germline.

Labcorp Genetics (formerly Invitae), Labcorp
Classification: Uncertain significance. Last evaluated: 2024-12-19. Review status: criteria provided, single submitter. Criteria: Invitae Variant Classification Sherloc (09022015). Collection method: clinical testing. Allele origin: germline.
Comment: This sequence change replaces aspartic acid, which is acidic and polar, with asparagine, which is neutral and polar, at codon 1076 of the CACNA1E protein (p.Asp1076Asn). This variant is present in population databases (no rsID available, gnomAD 0.007%). This missense change has been observed in individual(s) with clinical features of CACNA1E-related conditions (internal data). ClinVar contains an entry for this variant (Variation ID: 1445169). Invitae Evidence Modeling of protein sequence and biophysical properties (such as structural, functional, and spatial information, amino acid conservation, physicochemical variation, residue mobility, and thermodynamic stability) has been performed for this missense variant. However, the output from this modeling did not meet the statistical confidence thresholds required to predict the impact of this variant on CACNA1E protein function. In summary, the available evidence is currently insufficient to determine the role of this variant in disease. Therefore, it has been classified as a Variant of Uncertain Significance.